The following is an entry in ClinVar:

ClinVar aggregate classification (germline): Uncertain significance. Review status: criteria provided, multiple submitters, no conflicts (2 of 4 stars). 2 submissions from 2 submitters: Uncertain significance (2). Last evaluated 2023-09-15.

Conditions:
Stormorken syndrome (STRMK). Also called: THROMBOCYTOPATHY, ASPLENIA, AND MIOSIS. Identifiers: Orphanet 3204, MedGen C1861451, MONDO:0008497, OMIM 185070.
Myopathy with tubular aggregates (TAM). Also called: Tubular Aggregate Myopathy. Identifiers: Orphanet 2593, MedGen C0410207, MONDO:0008051.
Combined immunodeficiency due to STIM1 deficiency. Also called: STIM1 DEFICIENCY; IMMUNODEFICIENCY 10. Identifiers: Orphanet 169090, Orphanet 317430, MedGen C2748557, MONDO:0013008, OMIM 612783.

Submissions (2):

Blueprint Genetics
Classification: Uncertain significance. Last evaluated: 2023-09-15. Review status: criteria provided, single submitter. Criteria: ACMG Guidelines, 2015. Collection method: clinical testing. Allele origin: germline.

Labcorp Genetics (formerly Invitae), Labcorp
Classification: Uncertain significance for Myopathy with tubular aggregates; Combined immunodeficiency due to STIM1 deficiency; Stormorken syndrome. Last evaluated: 2022-10-28. Review status: criteria provided, single submitter. Criteria: Invitae Variant Classification Sherloc (09022015). Collection method: clinical testing. Allele origin: germline.
Comment: In summary, the available evidence is currently insufficient to determine the role of this variant in disease. Therefore, it has been classified as a Variant of Uncertain Significance. Advanced modeling of protein sequence and biophysical properties (such as structural, functional, and spatial information, amino acid conservation, physicochemical variation, residue mobility, and thermodynamic stability) has been performed at Invitae for this missense variant, however the output from this modeling did not meet the statistical confidence thresholds required to predict the impact of this variant on STIM1 protein function. This variant has not been reported in the literature in individuals affected with STIM1-related conditions. This variant is not present in population databases (gnomAD no frequency). This sequence change replaces lysine, which is basic and polar, with arginine, which is basic and polar, at codon 73 of the STIM1 protein (p.Lys73Arg).

NM_001382567.1(STIM1):c.218A>G (p.Lys73Arg)

Gene: STIM1 (stromal interaction molecule 1; plus strand). Cytogenetic location: 11p15.4.
Variant type: single nucleotide variant.
Coding change: c.218A>G on transcript NM_001382567.1 (MANE Select); coding-DNA position 218, A replaced by G.
Protein change: p.Lys73Arg; replaces lysine 73 with arginine.
Molecular consequence: missense variant. On other transcripts: 5 prime UTR variant (8), non-coding transcript variant (3), intron variant (4).
Genome position (GRCh38, 1-based): chr11:3,967,630, A>G. VCF-style: chr11-3967630-A-G. GRCh37 (hg19) VCF-style: chr11-3988860-A-G.
Other names: c.218A>G, p.Lys73Arg (NM_001277961.3, NM_001277962.2, NM_001382568.1 and 3 more transcripts); c.-5A>G (NM_001382566.1, NM_001382573.1, NM_001382574.1 and 5 more transcripts); c.-219-56243A>G (NM_001382580.1, NM_001382581.1); c.136-56243A>G (NM_001382569.1); c.-98-56243A>G (NM_001382571.1); short protein forms K73R.
Identifiers: ClinVar variation 2932677 (VCV002932677.4), dbSNP rs2497422556, ClinGen allele CA379485012.